The following is an entry in ClinVar:

NM_020812.4(DOCK6):c.2611G>A (p.Ala871Thr)

Gene: DOCK6 (dedicator of cytokinesis 6; minus strand). Cytogenetic location: 19p13.2.
Variant type: single nucleotide variant.
Coding change: c.2611G>A on transcript NM_020812.4 (MANE Select); coding-DNA position 2611, G replaced by A.
Protein change: p.Ala871Thr; replaces alanine 871 with threonine.
Molecular consequence: missense variant.
Genome position (GRCh38, 1-based): chr19:11,233,310, C>T on the plus strand (G>A on the coding strand, the complement: DOCK6 is on the minus strand). VCF-style: chr19-11233310-C-T. GRCh37 (hg19) VCF-style: chr19-11343986-C-T.
Other names: c.2611G>A, p.Ala871Thr (NM_001367830.1); short protein forms A871T.
Identifiers: ClinVar variation 3273388 (VCV003273388.3).

ClinVar aggregate classification (germline): Uncertain significance. Review status: criteria provided, multiple submitters, no conflicts (2 of 4 stars). 2 submissions from 2 submitters: Uncertain significance (2). Last evaluated 2025-10-15.

Conditions:
Inborn genetic diseases. Identifiers: MedGen C0950123, MeSH D030342.

gnomAD v4.1: 49 of 1,613,800 alleles (0.003%); highest among the groups gnomAD compares: East Asian, 0.047%; no homozygotes.

Submissions (2):

Labcorp Genetics (formerly Invitae), Labcorp
Classification: Uncertain significance. Last evaluated: 2025-10-15. Review status: criteria provided, single submitter. Criteria: Invitae Variant Classification Sherloc (09022015). Collection method: clinical testing. Allele origin: germline.
Comment: This sequence change replaces alanine, which is neutral and non-polar, with threonine, which is neutral and polar, at codon 871 of the DOCK6 protein (p.Ala871Thr). The frequency data for this variant in the population databases is considered unreliable, as metrics indicate poor data quality at this position in the gnomAD database. This variant has not been reported in the literature in individuals affected with DOCK6-related conditions. ClinVar contains an entry for this variant (Variation ID: 3273388). Invitae Evidence Modeling of protein sequence and biophysical properties (such as structural, functional, and spatial information, amino acid conservation, physicochemical variation, residue mobility, and thermodynamic stability) indicates that this missense variant is not expected to disrupt DOCK6 protein function with a negative predictive value of 80%. In summary, the available evidence is currently insufficient to determine the role of this variant in disease. Therefore, it has been classified as a Variant of Uncertain Significance.

Ambry Genetics
Classification: Uncertain significance for Inborn genetic diseases. Last evaluated: 2024-04-09. Review status: criteria provided, single submitter. Criteria: Ambry Variant Classification Scheme 2023. Collection method: clinical testing. Allele origin: germline.